The following is an entry in ClinVar:

NM_001042681.2(RERE):c.3536G>A (p.Arg1179Gln)

Gene: RERE (arginine-glutamic acid dipeptide repeats; minus strand). Cytogenetic location: 1p36.23.
Variant type: single nucleotide variant.
Coding change: c.3536G>A on transcript NM_001042681.2 (MANE Select); coding-DNA position 3536, G replaced by A.
Protein change: p.Arg1179Gln; replaces arginine 1179 with glutamine.
Molecular consequence: missense variant.
Genome position (GRCh38, 1-based): chr1:8,359,846, C>T on the plus strand (G>A on the coding strand, the complement: RERE is on the minus strand). VCF-style: chr1-8359846-C-T. GRCh37 (hg19) VCF-style: chr1-8419906-C-T.
Other names: c.1874G>A, p.Arg625Gln (NM_001042682.2); c.3536G>A, p.Arg1179Gln (NM_012102.4); short protein forms R1179Q, R625Q.
Identifiers: ClinVar variation 3153016 (VCV003153016.3), dbSNP rs150925051, ClinGen allele CA571123.

ClinVar aggregate classification (germline): Uncertain significance. Review status: criteria provided, multiple submitters, no conflicts (2 of 4 stars). 2 submissions from 2 submitters: Uncertain significance (2). Last evaluated 2025-09-04.

Conditions:
Inborn genetic diseases. Identifiers: MedGen C0950123, MeSH D030342.

Allele frequency attached by ClinVar (database versions not stated): ESP Exome Variant Server 0.00008; ExAC 0.00003; 1000 Genomes Project 0.00020; 1000 Genomes Project 30x 0.00016.
gnomAD v4.1: 55 of 1,610,856 alleles (0.0034%); highest among the groups gnomAD compares: East Asian, 0.0045%; no homozygotes.

Submissions (2):

Labcorp Genetics (formerly Invitae), Labcorp
Classification: Uncertain significance. Last evaluated: 2025-09-04. Review status: criteria provided, single submitter. Criteria: Invitae Variant Classification Sherloc (09022015). Collection method: clinical testing. Allele origin: germline.
Comment: This sequence change replaces arginine, which is basic and polar, with glutamine, which is neutral and polar, at codon 1179 of the RERE protein (p.Arg1179Gln). The frequency data for this variant in the population databases is considered unreliable, as metrics indicate poor data quality at this position in the gnomAD database. This variant has not been reported in the literature in individuals affected with RERE-related conditions. ClinVar contains an entry for this variant (Variation ID: 3153016). Invitae Evidence Modeling of protein sequence and biophysical properties (such as structural, functional, and spatial information, amino acid conservation, physicochemical variation, residue mobility, and thermodynamic stability) has been performed for this missense variant. However, the output from this modeling did not meet the statistical confidence thresholds required to predict the impact of this variant on RERE protein function. In summary, the available evidence is currently insufficient to determine the role of this variant in disease. Therefore, it has been classified as a Variant of Uncertain Significance.

Ambry Genetics
Classification: Uncertain significance for Inborn genetic diseases. Last evaluated: 2022-06-28. Review status: criteria provided, single submitter. Criteria: Ambry Variant Classification Scheme 2023. Collection method: clinical testing. Allele origin: germline.